The following is an entry in ClinVar:

ClinVar aggregate classification (germline): Uncertain significance (1 of 4 stars; one submission).

Allele frequency attached by ClinVar (database versions not stated): gnomAD exomes below 0.00001.
gnomAD v4.1: 6 of 1,613,800 alleles (0.00037%); highest among the groups gnomAD compares: Non-Finnish European, 0.00051%; no homozygotes.

Submission:

Labcorp Genetics (formerly Invitae), Labcorp
Classification: Uncertain significance. Last evaluated: 2023-08-30. Review status: criteria provided, single submitter. Criteria: Invitae Variant Classification Sherloc (09022015). Collection method: clinical testing. Allele origin: germline.
Comment: In summary, the available evidence is currently insufficient to determine the role of this variant in disease. Therefore, it has been classified as a Variant of Uncertain Significance. Algorithms developed to predict the effect of missense changes on protein structure and function output the following: SIFT: "Not Available"; PolyPhen-2: "Benign"; Align-GVGD: "Not Available". The lysine amino acid residue is found in multiple mammalian species, which suggests that this missense change does not adversely affect protein function. This variant has not been reported in the literature in individuals affected with EIF2AK3-related conditions. This variant is not present in population databases (gnomAD no frequency). This sequence change replaces arginine, which is basic and polar, with lysine, which is basic and polar, at codon 213 of the EIF2AK3 protein (p.Arg213Lys).

NM_004836.7(EIF2AK3):c.638G>A (p.Arg213Lys)

Gene: EIF2AK3 (eukaryotic translation initiation factor 2 alpha kinase 3; minus strand). Cytogenetic location: 2p11.2.
Variant type: single nucleotide variant.
Coding change: c.638G>A on transcript NM_004836.7 (MANE Select); coding-DNA position 638, G replaced by A.
Protein change: p.Arg213Lys; replaces arginine 213 with lysine.
Molecular consequence: missense variant.
Genome position (GRCh38, 1-based): chr2:88,593,401, C>T on the plus strand (G>A on the coding strand, the complement: EIF2AK3 is on the minus strand). VCF-style: chr2-88593401-C-T. GRCh37 (hg19) VCF-style: chr2-88892919-C-T.
Other names: c.185G>A, p.Arg62Lys (NM_001313915.2); short protein forms R62K, R213K.
Identifiers: ClinVar variation 2803384 (VCV002803384.3), dbSNP rs2529177945, ClinGen allele CA347596561.